The following is an entry in ClinVar:

NM_003221.4(TFAP2B):c.1304A>G (p.Asn435Ser)

Gene: TFAP2B (transcription factor AP-2 beta; plus strand). Cytogenetic location: 6p12.3.
Variant type: single nucleotide variant.
Coding change: c.1304A>G on transcript NM_003221.4 (MANE Select); coding-DNA position 1304, A replaced by G.
Protein change: p.Asn435Ser; replaces asparagine 435 with serine.
Molecular consequence: missense variant.
Genome position (GRCh38, 1-based): chr6:50,843,313, A>G. VCF-style: chr6-50843313-A-G. GRCh37 (hg19) VCF-style: chr6-50811026-A-G.
Other names: short protein forms N435S.
Identifiers: ClinVar variation 3251608 (VCV003251608.1), dbSNP rs115226995.

ClinVar aggregate classification (germline): Uncertain significance (1 of 4 stars; one submission).

Submission:

Women's Health and Genetics/Laboratory Corporation of America, LabCorp
Classification: Uncertain significance. Last evaluated: 2024-04-01. Review status: criteria provided, single submitter. Criteria: LabCorp Variant Classification Summary - May 2015. Collection method: clinical testing. Allele origin: germline.
Comment: Variant summary: TFAP2B c.1304A>G (p.Asn435Ser) results in a conservative amino acid change in the encoded protein sequence. Four of five in-silico tools predict a benign effect of the variant on protein function. The variant was absent in 251202 control chromosomes (gnomAD). The available data on variant occurrences in the general population are insufficient to allow any conclusion about variant significance. To our knowledge, no occurrence of c.1304A>G in individuals affected with Char Syndrome and no experimental evidence demonstrating its impact on protein function have been reported. No submitters have cited clinical-significance assessments for this variant to ClinVar. Based on the evidence outlined above, the variant was classified as uncertain significance.